The following is an entry in ClinVar:

NM_000540.3(RYR1):c.6402G>A (p.Leu2134=)

Gene: RYR1 (ryanodine receptor 1; plus strand). Cytogenetic location: 19q13.2.
Variant type: single nucleotide variant.
Coding change: c.6402G>A on transcript NM_000540.3 (MANE Select); coding-DNA position 6402, G replaced by A.
Protein change: p.Leu2134=; no amino-acid change (leucine 2134 retained).
Molecular consequence: synonymous variant.
Genome position (GRCh38, 1-based): chr19:38,494,479, G>A. VCF-style: chr19-38494479-G-A. GRCh37 (hg19) VCF-style: chr19-38985119-G-A.
Other names: c.6402G>A, p.Leu2134= (NM_001042723.2).
Identifiers: ClinVar variation 698634 (VCV000698634.13), dbSNP rs774086549, ClinGen allele CA068214.
Genomic context (GRCh38, chr19:38,494,479, plus strand): 5'-CGAGCTGGTGCGGGCCATGTTCAGCCTCCTGCACCGGCAGTACGACGGGCTGGGTGAGCT[G>A]CTGCGTGCCCTGCCGCGGGCGTACACCATCTCACCGTCCTCCGTGGAAGACACCATGAGC-3'
Protein context (NP_000531.2, residues 2124-2144): LHRQYDGLGE[Leu2134=]LRALPRAYTI

ClinVar aggregate classification (germline): Likely benign. Review status: criteria provided, multiple submitters, no conflicts (2 of 4 stars). 3 submissions from 3 submitters: Likely benign (3). Last evaluated 2025-09-14.

Conditions:
RYR1-related disorder. Also called: RYR1-related condition; RYR1-related disorders. Identifiers: MedGen CN239331.
Malignant hyperthermia, susceptibility to, 1 (MHS1). Also called: Anesthesia related hyperthermia; Malignant hyperpyrexia; Fulminating hyperpyrexia; Pharmacogenic myopathy; Malignant hyperthermia suceptibility 1; RYR1-Related Malignant Hyperthermia Susceptibility. Identifiers: Orphanet 423, MedGen C2930980, MONDO:0007783, OMIM 145600.

Allele frequency attached by ClinVar (database versions not stated): TOPMed 0.00001; gnomAD exomes 0.00003 and 0.00004; ExAC 0.00007.
gnomAD v4.1: 47 of 1,613,040 alleles (0.0029%); highest among the groups gnomAD compares: Non-Finnish European, 0.004%; no homozygotes.

Submissions (3):

Labcorp Genetics (formerly Invitae), Labcorp
Classification: Likely benign for RYR1-related disorder. Last evaluated: 2025-09-14. Review status: criteria provided, single submitter. Criteria: Invitae Variant Classification Sherloc (09022015). Collection method: clinical testing. Allele origin: germline.

All of Us Research Program, National Institutes of Health
Classification: Likely benign for Malignant hyperthermia, susceptibility to, 1. Last evaluated: 2024-06-11. Review status: criteria provided, single submitter. Criteria: ACMG Guidelines, 2015. Collection method: clinical testing. Allele origin: germline. Inheritance: Autosomal dominant inheritance. Observed: 6 variant alleles, 6 heterozygotes.
Comment: This study involves interpretation of variants in research participants for the purpose of population health screening. Participant phenotype was not available at the time of variant classification. Additional details can be found in publication PMID: 35346344, PMCID: PMC8962531

Color Diagnostics, LLC DBA Color Health
Classification: Likely benign for Malignant hyperthermia, susceptibility to, 1. Last evaluated: 2022-11-06. Review status: criteria provided, single submitter. Criteria: ACMG Guidelines, 2015. Collection method: clinical testing. Allele origin: germline.